The following is an entry in ClinVar:

ClinVar aggregate classification (germline): Uncertain significance (1 of 4 stars; one submission).

Conditions:
Hereditary cancer-predisposing syndrome. Also called: Hereditary Cancer Syndrome; Hereditary neoplastic syndrome; Tumor predisposition; Neoplastic Syndromes, Hereditary. Identifiers: Orphanet 140162, MedGen C0027672, MeSH D009386, MONDO:0015356.
Cardiovascular phenotype. Identifiers: MedGen CN230736.

Submission:

Ambry Genetics
Classification: Uncertain significance for Cardiovascular phenotype; Hereditary cancer-predisposing syndrome. Last evaluated: 2021-04-12. Review status: criteria provided, single submitter. Criteria: Ambry Variant Classification Scheme 2023. Collection method: clinical testing. Allele origin: germline.
Comment: The c.2278_2286dupATGGCACTG variant (also known as p.M760_L762dup), located in coding exon 19 of the NF1 gene, results from an in-frame duplication of ATGGCACTG at nucleotide positions 2278 to 2286. This results in the duplication of 3 extra residues (MAL) between codons 760 and 762. Based on internal structural analysis, this variant is anticipated to result in a decrease in structural stability (Kurella VB et al. J Biol Chem, 2009 May;284:14857-65). This amino acid region is highly conserved in available vertebrate species. In addition, this alteration is predicted to be deleterious by in silico analysis (Choi Y et al. PLoS ONE. 2012; 7(10):e46688). Since supporting evidence is limited at this time, the clinical significance of this alteration remains unclear.

NM_001042492.3(NF1):c.2278_2286dup (p.Leu762_Leu763insMetAlaLeu)

Gene: NF1 (neurofibromin 1; plus strand). Cytogenetic location: 17q11.2.
Variant type: Duplication.
Coding change: c.2278_2286dup on transcript NM_001042492.3 (MANE Select); coding-DNA positions 2278 to 2286, 9 bases duplicated (ATGGCACTG; older notation c.2278_2286dupATGGCACTG).
Protein change: p.Leu762_Leu763insMetAlaLeu.
Molecular consequence: inframe insertion. On other transcripts: inframe indel (1).
Genome position (GRCh38, 1-based): chr17:31,227,244-31,227,252, ATGGCACTG duplicated; duplicating any 9 consecutive bases within chr17:31,227,242-31,227,252 gives the same sequence; the c. name uses the placement nearest the transcript's 3' end. VCF-style (leftmost placement, unchanged base first): chr17-31227241-G-GTGATGGCAC. GRCh37 (hg19) VCF-style: chr17-29554259-G-GTGATGGCAC.
Other names: c.2278_2286dupATGGCACTG (NM_000267.3); c.2278_2286dup, p.Leu762_Leu763insMetAlaLeu (NM_000267.4).
Identifiers: ClinVar variation 1788882 (VCV001788882.2), dbSNP rs2508165806, ClinGen allele CA2580093183.
Genomic context (GRCh38, chr17:31,227,241, plus strand): 5'-AAGTGCAGTAACTTGATTTGCTGTTGTATTTGCTTAGGAAGAGCAGCACTTCAGAAAAGA[G>GTGATGGCAC]TGATGGCACTGCTGAGGCGCATTGAGCATCCCACTGCAGGAAACACTGAGGTATGCCCTT-3'